The following is an entry in ClinVar:

NM_000346.4(SOX9):c.331G>A (p.Ala111Thr)

Genes: SOX9 (SRY-box transcription factor 9; plus strand), LOC108021846 (SOX9 promoter region; plus strand). Cytogenetic location: 17q24.3.
Variant type: single nucleotide variant.
Coding change: c.331G>A on transcript NM_000346.4 (MANE Select); coding-DNA position 331, G replaced by A.
Protein change: p.Ala111Thr; replaces alanine 111 with threonine.
Molecular consequence: missense variant.
Genome position (GRCh38, 1-based): chr17:72,121,722, G>A. VCF-style: chr17-72121722-G-A. GRCh37 (hg19) VCF-style: chr17-70117863-G-A.
Other names: short protein forms A111T.
Identifiers: ClinVar variation 520782 (VCV000520782.5), dbSNP rs1425166755, ClinGen allele CA400866030.

ClinVar aggregate classification (germline): Pathogenic/Likely pathogenic. Review status: criteria provided, multiple submitters, no conflicts (2 of 4 stars). 2 submissions from 2 submitters: Pathogenic (1); Likely pathogenic (1). Last evaluated 2022-09-08.

Conditions:
SOX9-related disorder. Also called: SOX9-related condition.
Inborn genetic diseases. Identifiers: MedGen C0950123, MeSH D030342.

Submissions (2):

PreventionGenetics, part of Exact Sciences
Classification: Likely pathogenic for SOX9-related condition. Last evaluated: 2022-09-08. Review status: criteria provided, single submitter. Criteria: ACMG Guidelines, 2015. Collection method: clinical testing. Allele origin: germline.
Comment: The SOX9 c.331G>A variant is predicted to result in the amino acid substitution p.Ala111Thr. To our knowledge, this variant has not been reported in the literature or in a large population database, indicating this variant is rare. This variant is interpreted as likely pathogenic.

Ambry Genetics
Classification: Pathogenic for Inborn genetic diseases. Last evaluated: 2015-09-30. Review status: criteria provided, single submitter. Criteria: Ambry exome assertion method (8-5-2015). Collection method: clinical testing. Allele origin: germline. Affected: yes. Observed: 1 variant allele.